The following is an entry in ClinVar:

ClinVar aggregate classification (germline): Uncertain significance (1 of 4 stars; one submission).

Conditions:
Phosphate transport defect (GSD1C). Also called: GLYCOGEN STORAGE DISEASE Ic; GSD Ic. Identifiers: Orphanet 364, Orphanet 79259, MedGen C0342749, OMIM 232240.
Glucose-6-phosphate transport defect (GSD1B). Also called: GSD Ib; Glycogen Storage Disease Type Ib. Identifiers: Orphanet 364, Orphanet 79259, MedGen C0268146, MONDO:0009288, OMIM 232220.

Submission:

Juno Genomics, Hangzhou Juno Genomics, Inc
Classification: Uncertain significance for Glucose-6-phosphate transport defect; Phosphate transport defect. Review status: criteria provided, single submitter. Criteria: ACMG Guidelines, 2015. Collection method: clinical testing. Allele origin: germline. Affected: yes.
Comment: Absent from controls (or at extremely low frequency if recessive) in Genome Aggregation Database, Exome Sequencing Project, 1000 Genomes Project, or Exome Aggregation Consortium.;For recessive disorders, detected in trans with a pathogenic variant.;Patient's phenotype or family history is highly specific for a disease with a single genetic etiology.

NM_001164277.2(SLC37A4):c.55G>C (p.Gly19Arg)

Gene: SLC37A4 (solute carrier family 37 member 4; minus strand). Cytogenetic location: 11q23.3.
Variant type: single nucleotide variant.
Coding change: c.55G>C on transcript NM_001164277.2 (MANE Select); coding-DNA position 55, G replaced by C.
Protein change: p.Gly19Arg; replaces glycine 19 with arginine.
Molecular consequence: missense variant. On other transcripts: intron variant (1).
Genome position (GRCh38, 1-based): chr11:119,029,315, C>G on the plus strand (G>C on the coding strand, the complement: SLC37A4 is on the minus strand). VCF-style: chr11-119029315-C-G. GRCh37 (hg19) VCF-style: chr11-118900025-C-G.
Other names: c.55G>C, p.Gly19Arg (NM_001164280.2, NM_001467.6, NM_001164278.2); c.-172+77G>C (NM_001164279.2); short protein forms G19R.
Identifiers: ClinVar variation 3382467 (VCV003382467.2).